The following is an entry in ClinVar:

NM_000489.6(ATRX):c.563G>C (p.Arg188Thr)

Gene: ATRX (ATRX chromatin remodeler; minus strand). Cytogenetic location: Xq21.1.
Variant type: single nucleotide variant.
Coding change: c.563G>C on transcript NM_000489.6 (MANE Select); coding-DNA position 563, G replaced by C.
Protein change: p.Arg188Thr; replaces arginine 188 with threonine.
Molecular consequence: missense variant.
Genome position (GRCh38, 1-based): chrX:77,688,849, C>G on the plus strand (G>C on the coding strand, the complement: ATRX is on the minus strand). VCF-style: chrX-77688849-C-G. GRCh37 (hg19) VCF-style: chrX-76944342-C-G.
Other names: c.449G>C, p.Arg150Thr (NM_138270.5); short protein forms R150T, R188T.
Identifiers: ClinVar variation 2745470 (VCV002745470.3), dbSNP rs2148656513, ClinGen allele CA413722503.
Genomic context (GRCh38, chrX:77,688,849, plus strand): 5'-GTATGAAATATCAACAGATCATTACATACCTTACAAATAAGAACTTGCAATGAAGGGTGT[C>G]TATAAATGGAATCTTTTTGAAAATGATTGACCTGTTGTCCACAAGCAGTGCAGCTCACAA-3'
Protein context (NP_000480.3, residues 178-198): VNHFQKDSIY[Arg188Thr]HPSLQVLICK

ClinVar aggregate classification (germline): Uncertain significance (1 of 4 stars; one submission).

Conditions:
Alpha thalassemia-X-linked intellectual disability syndrome (ATRX). Also called: ALPHA-THALASSEMIA/MENTAL RETARDATION SYNDROME, X-LINKED; ATR, NONDELETION TYPE; ATR-X syndrome; Alpha thalassemia mental retardation syndrome, nondeletion type, X-linked; XLMR hypotonic face syndrome; X-linked alpha-thalassemia-mental retardation syndrome. Identifiers: Orphanet 847, MedGen C1845055, MONDO:0010519, OMIM 301040.

Submission:

Labcorp Genetics (formerly Invitae), Labcorp
Classification: Uncertain significance for Alpha thalassemia-X-linked intellectual disability syndrome. Last evaluated: 2023-07-20. Review status: criteria provided, single submitter. Criteria: Invitae Variant Classification Sherloc (09022015). Collection method: clinical testing. Allele origin: germline.
Comment: This sequence change replaces arginine, which is basic and polar, with threonine, which is neutral and polar, at codon 188 of the ATRX protein (p.Arg188Thr). This variant is not present in population databases (gnomAD no frequency). This variant has not been reported in the literature in individuals affected with ATRX-related conditions. Advanced modeling of protein sequence and biophysical properties (such as structural, functional, and spatial information, amino acid conservation, physicochemical variation, residue mobility, and thermodynamic stability) performed at Invitae indicates that this missense variant is not expected to disrupt ATRX protein function. In summary, the available evidence is currently insufficient to determine the role of this variant in disease. Therefore, it has been classified as a Variant of Uncertain Significance.